The following is an entry in ClinVar:

NM_007347.5(AP4E1):c.2258T>C (p.Val753Ala)

Gene: AP4E1 (adaptor related protein complex 4 subunit epsilon 1; plus strand). Cytogenetic location: 15q21.2.
Variant type: single nucleotide variant.
Coding change: c.2258T>C on transcript NM_007347.5 (MANE Select); coding-DNA position 2258, T replaced by C.
Protein change: p.Val753Ala; replaces valine 753 with alanine.
Molecular consequence: missense variant.
Genome position (GRCh38, 1-based): chr15:50,993,537, T>C. VCF-style: chr15-50993537-T-C. GRCh37 (hg19) VCF-style: chr15-51285734-T-C.
Other names: c.2033T>C, p.Val678Ala (NM_001252127.2); short protein forms V753A, V678A.
Identifiers: ClinVar variation 389790 (VCV000389790.8), dbSNP rs757157711, ClinGen allele CA7559279.

ClinVar aggregate classification (germline): Uncertain significance. Review status: criteria provided, multiple submitters, no conflicts (2 of 4 stars). 2 submissions from 2 submitters: Uncertain significance (2). Last evaluated 2024-10-07.

Conditions:
Spastic paraplegia. Identifiers: MedGen C0037772, HP:0001258.

Allele frequency attached by ClinVar (database versions not stated): TOPMed 0.00002; gnomAD 0.00004 and 0.00003; ExAC 0.00002.
gnomAD v4.1: 62 of 1,613,890 alleles (0.0038%); highest among the groups gnomAD compares: Non-Finnish European, 0.005%; no homozygotes.

Submissions (2):

Labcorp Genetics (formerly Invitae), Labcorp
Classification: Uncertain significance for Spastic paraplegia. Last evaluated: 2024-10-07. Review status: criteria provided, single submitter. Criteria: Invitae Variant Classification Sherloc (09022015). Collection method: clinical testing. Allele origin: germline.
Comment: This sequence change replaces valine, which is neutral and non-polar, with alanine, which is neutral and non-polar, at codon 753 of the AP4E1 protein (p.Val753Ala). This variant is present in population databases (rs757157711, gnomAD 0.004%). This variant has not been reported in the literature in individuals affected with AP4E1-related conditions. ClinVar contains an entry for this variant (Variation ID: 389790). An algorithm developed to predict the effect of missense changes on protein structure and function outputs the following: PolyPhen-2: "Benign". The alanine amino acid residue is found in multiple mammalian species, which suggests that this missense change does not adversely affect protein function. In summary, the available evidence is currently insufficient to determine the role of this variant in disease. Therefore, it has been classified as a Variant of Uncertain Significance.

GeneDx
Classification: Uncertain significance. Last evaluated: 2021-04-14. Review status: criteria provided, single submitter. Criteria: GeneDx Variant Classification Process June 2021. Collection method: clinical testing. Allele origin: germline. Affected: yes.
Comment: Not observed in large population cohorts (Lek et al., 2016); In silico analysis supports that this missense variant does not alter protein structure/function; Has not been previously published as pathogenic or benign to our knowledge